The following is an entry in ClinVar:

NM_152703.5(SAMD9L):c.2682_2690delinsAAATTTGG (p.Ser894fs)

Gene: SAMD9L (sterile alpha motif domain containing 9 like; minus strand). Cytogenetic location: 7q21.2.
Variant type: Indel.
Coding change: c.2682_2690delinsAAATTTGG on transcript NM_152703.5 (MANE Select); coding-DNA positions 2682 to 2690, CAATTTTGA replaced by AAATTTGG.
Protein change: p.Ser894fs; shifts the reading frame from serine 894.
Molecular consequence: frameshift variant.
Genome position (GRCh38, 1-based): chr7:93,133,282-93,133,290, TCAAAATTG replaced by CCAAATTT on the plus strand (CAATTTTGA replaced by AAATTTGG on the coding strand, the reverse complement: SAMD9L is on the minus strand). VCF-style: chr7-93133282-TCAAAATTG-CCAAATTT. GRCh37 (hg19) VCF-style: chr7-92762595-TCAAAATTG-CCAAATTT.
Other names: c.2682_2690delinsAAATTTGG, p.Ser894fs (NM_001303496.3, NM_001303497.3, NM_001303498.3 and 5 more transcripts); short protein forms S894fs.
Identifiers: ClinVar variation 1209111 (VCV001209111.3), dbSNP rs2116485921, ClinGen allele CA2499219062.

ClinVar aggregate classification (germline): Likely pathogenic (1 of 4 stars; one submission).

Submission:

GeneDx
Classification: Likely pathogenic. Last evaluated: 2019-06-19. Review status: criteria provided, single submitter. Criteria: GeneDx Variant Classification Process June 2021. Collection method: clinical testing. Allele origin: germline. Affected: yes.
Comment: Not observed in large population cohorts (Lek et al., 2016); Frameshift variant predicted to result in protein truncation in a gene for which loss-of-function is not a known mechanism of disease; Has not been previously published as pathogenic or benign to our knowledge